The following is an entry in ClinVar:

NM_015690.5(STK36):c.1869C>T (p.Leu623=)

Gene: STK36 (serine/threonine kinase 36; plus strand). Cytogenetic location: 2q35.
Variant type: single nucleotide variant.
Coding change: c.1869C>T on transcript NM_015690.5 (MANE Select); coding-DNA position 1869, C replaced by T.
Protein change: p.Leu623=; no amino-acid change (leucine 623 retained).
Molecular consequence: synonymous variant.
Genome position (GRCh38, 1-based): chr2:218,692,247, C>T. VCF-style: chr2-218692247-C-T. GRCh37 (hg19) VCF-style: chr2-219556970-C-T.
Other names: c.1869C>T, p.Leu623= (NM_001243313.2, NM_001369423.1).
Identifiers: ClinVar variation 3041872 (VCV003041872.2), dbSNP rs2469966482, ClinGen allele CA431243960.
Genomic context (GRCh38, chr2:218,692,247, plus strand): 5'-CATCTCCAAAGCCTTTTACTCCAGCTTGCTGACGACACAGCAGGTTGTCTTGGATGGGCT[C>T]CTTCATGGCTTGACAGTTCCACAGCTCCCTGTCCACACTCCCCAAGGTAACCAGAGTGGA-3'
Protein context (NP_056505.2, residues 613-633): LTTQQVVLDG[Leu623=]LHGLTVPQLP

ClinVar aggregate classification (germline): Likely benign (0 of 4 stars; one submission).

Conditions:
STK36-related disorder. Also called: STK36-related condition.

Submission:

PreventionGenetics, part of Exact Sciences
Classification: Likely benign for STK36-related condition. Last evaluated: 2019-05-17. Review status: no assertion criteria provided. Collection method: clinical testing. Allele origin: germline.
Comment: This variant is classified as likely benign based on ACMG/AMP sequence variant interpretation guidelines (Richards et al. 2015 PMID: 25741868, with internal and published modifications).